The following is an entry in ClinVar:

NM_173354.5(SIK1):c.2161G>A (p.Val721Met)

Gene: SIK1 (salt inducible kinase 1; minus strand). Cytogenetic location: 21q22.3.
Variant type: single nucleotide variant.
Coding change: c.2161G>A on transcript NM_173354.5 (MANE Select); coding-DNA position 2161, G replaced by A.
Protein change: p.Val721Met; replaces valine 721 with methionine.
Molecular consequence: missense variant.
Genome position (GRCh38, 1-based): chr21:43,416,933, C>T on the plus strand (G>A on the coding strand, the complement: SIK1 is on the minus strand). VCF-style: chr21-43416933-C-T. GRCh37 (hg19) VCF-style: chr21-44836813-C-T.
Other names: short protein forms V721M.
Identifiers: ClinVar variation 1392523 (VCV001392523.8), dbSNP rs1049188125, ClinGen allele CA410606542.

ClinVar aggregate classification (germline): Uncertain significance (1 of 4 stars; one submission).

Conditions:
Developmental and epileptic encephalopathy, 30 (DEE30). Also called: Epileptic encephalopathy, early infantile, 30. Identifiers: MedGen C4225360, MONDO:0014595, OMIM 616341.

Submission:

Labcorp Genetics (formerly Invitae), Labcorp
Classification: Uncertain significance for Developmental and epileptic encephalopathy, 30. Last evaluated: 2021-05-21. Review status: criteria provided, single submitter. Criteria: Invitae Variant Classification Sherloc (09022015). Collection method: clinical testing. Allele origin: germline.
Comment: Advanced modeling of protein sequence and biophysical properties (such as structural, functional, and spatial information, amino acid conservation, physicochemical variation, residue mobility, and thermodynamic stability) performed at Invitae indicates that this missense variant is not expected to disrupt SIK1 protein function. This variant has not been reported in the literature in individuals with SIK1-related conditions. The frequency data for this variant in the population databases is considered unreliable, as metrics indicate insufficient coverage at this position in the ExAC database. This sequence change replaces valine with methionine at codon 721 of the SIK1 protein (p.Val721Met). The valine residue is highly conserved and there is a small physicochemical difference between valine and methionine. In summary, the available evidence is currently insufficient to determine the role of this variant in disease. Therefore, it has been classified as a Variant of Uncertain Significance.